The following is an entry in ClinVar:

NC_000010.10:g.(?_101594117)_(101606904_?)del

Gene: ABCC2 (ATP binding cassette subfamily C member 2; plus strand). Cytogenetic location: 10q24.2.
Variant type: Deletion.
Identifiers: ClinVar variation 3244942 (VCV003244942.1).

ClinVar aggregate classification (germline): Pathogenic (1 of 4 stars; one submission).

Submission:

Labcorp Genetics (formerly Invitae), Labcorp
Classification: Pathogenic. Last evaluated: 2023-08-11. Review status: criteria provided, single submitter. Criteria: Invitae Variant Classification Sherloc (09022015). Collection method: clinical testing. Allele origin: unknown.
Comment: This variant is a gross deletion of the genomic region encompassing exon(s) 24-30 of the ABCC2 gene. This deletion is out-of-frame, and is expected to create a premature termination codon and result in an absent or disrupted protein product. Loss-of-function variants in ABCC2 are known to be pathogenic (PMID: 9185779, 16549534, 16952291). This variant has not been reported in the literature in individuals affected with ABCC2-related conditions. For these reasons, this variant has been classified as Pathogenic.

Literature cited by the submitters: PubMed 9185779; PubMed 16549534; PubMed 16952291.